The following is an entry in ClinVar:

NM_000218.3(KCNQ1):c.843C>A (p.Tyr281Ter)

Gene: KCNQ1 (potassium voltage-gated channel subfamily Q member 1; plus strand). Cytogenetic location: 11p15.5.
Variant type: single nucleotide variant.
Coding change: c.843C>A on transcript NM_000218.3 (MANE Select); coding-DNA position 843, C replaced by A.
Protein change: p.Tyr281Ter; replaces tyrosine 281 with a stop codon.
Molecular consequence: nonsense.
Genome position (GRCh38, 1-based): chr11:2,572,908, C>A. VCF-style: chr11-2572908-C-A. GRCh37 (hg19) VCF-style: chr11-2594138-C-A.
Other names: c.843C>A, p.Tyr281Ter (NM_001406836.1); c.573C>A, p.Tyr191Ter (NM_001406837.1); c.462C>A, p.Tyr154Ter (NM_181798.2); short protein forms Y154*, Y281*, Y191*.
Identifiers: ClinVar variation 379504 (VCV000379504.7), dbSNP rs1057520623, ClinGen allele CA16606921.

ClinVar aggregate classification (germline): Pathogenic/Likely pathogenic. Review status: criteria provided, multiple submitters, no conflicts (2 of 4 stars). 4 submissions from 4 submitters: Pathogenic (2); Likely pathogenic (2). Last evaluated 2024-05-13.

Conditions:
Cardiac arrhythmia. Also called: Arrhythmia; Cardiac rhythm disease. Identifiers: MedGen C0003811, MONDO:0007263, HP:0011675.
Long QT syndrome (LQTS). Identifiers: MedGen C0023976, MeSH D008133, MONDO:0002442. Disease mechanism: loss of function. Inheritance: Various modes of inheritance.

Submissions (4):

Color Diagnostics, LLC DBA Color Health
Classification: Pathogenic for Cardiac arrhythmia. Last evaluated: 2024-05-13. Review status: criteria provided, single submitter. Criteria: ACMG Guidelines, 2015. Collection method: clinical testing. Allele origin: germline.
Comment: This variant changes 1 nucleotide in exon 6 of the KCNQ1 gene, creating a premature translation stop signal. This variant is expected to result in an absent or non-functional protein product. To our knowledge, this variant has not been reported in individuals affected with KCNQ1-related disorders in the literature. This variant has not been identified in the general population by the Genome Aggregation Database (gnomAD). Loss of KCNQ1 function is a known mechanism of disease. Based on the available evidence, this variant is classified as Pathogenic.

All of Us Research Program, National Institutes of Health
Classification: Likely pathogenic for Long QT syndrome. Last evaluated: 2024-03-06. Review status: criteria provided, single submitter. Criteria: ACMG Guidelines, 2015. Collection method: clinical testing. Allele origin: germline. Inheritance: Autosomal dominant inheritance. Observed: 1 variant allele, 1 heterozygote.
Comment: The c.843C>A variant in KCNQ1 gene is located in exon 6 and replaces tyrosine at codon 281 with a stop codon (p.Tyr281*). It is predicted to result in an absent or disrupted protein product. Loss-of-function variants in KCNQ1 gene are known to be pathogenic (PMID: 9323054, 19862833). This variant is absent in the general population database (gnomAD). ClinVar contains an entry for this variant (ID: 379504). Based on the available evidence, c.843C>A (p.Tyr281*) variant in KCNQ1 gene is classified as likely pathogenic.

This study involves interpretation of variants in research participants for the purpose of population health screening. Participant phenotype was not available at the time of variant classification. Additional details can be found in publication PMID: 35346344, PMCID: PMC8962531

Human Genome Sequencing Center Clinical Lab, Baylor College of Medicine
Classification: Likely pathogenic for long QT syndrome. Last evaluated: 2023-11-16. Review status: criteria provided, single submitter. Criteria: ACMG Guidelines, 2015. Collection method: clinical testing. Allele origin: unknown.

GeneDx
Classification: Pathogenic. Last evaluated: 2015-04-14. Review status: criteria provided, single submitter. Criteria: GeneDx Variant Classification (06012015). Collection method: clinical testing. Allele origin: germline. Affected: yes.
Comment: The Y281X variant in the KCNQ1 gene has not been reported as a pathogenic variant or as abenign polymorphism to our knowledge. Y281X is predicted to cause loss of normal protein function either by protein truncation or nonsense-mediated mRNA decay. Other nonsense variants in the KCNQ1 gene have been reported in HGMD in association with LQTS (Stenson P et al., 2014).Therefore, we interpret this variant as pathogenic.

Literature cited by the submitters: PubMed 9323054 (cited by All of Us Research Program, National Institutes of Health); PubMed 19862833 (cited by All of Us Research Program, National Institutes of Health).